The following is an entry in ClinVar:

NM_033337.3(CAV3):c.114+11C>T

Gene: CAV3 (caveolin 3; plus strand). Cytogenetic location: 3p25.3.
Variant type: single nucleotide variant.
Coding change: c.114+11C>T on transcript NM_033337.3 (MANE Select); 11 bases into the intron after coding-DNA position 114, C replaced by T.
Molecular consequence: intron variant.
Genome position (GRCh38, 1-based): chr3:8,734,001, C>T. VCF-style: chr3-8734001-C-T. GRCh37 (hg19) VCF-style: chr3-8775687-C-T.
Other names: c.114+11C>T (NM_001234.5).
Identifiers: ClinVar variation 1574393 (VCV001574393.9), dbSNP rs779911803, ClinGen allele CA2236285.

ClinVar aggregate classification (germline): Likely benign. Review status: criteria provided, multiple submitters, no conflicts (2 of 4 stars). 2 submissions from 2 submitters: Likely benign (2). Last evaluated 2025-10-22.

Conditions:
Long QT syndrome (LQTS). Identifiers: MedGen C0023976, MeSH D008133, MONDO:0002442. Disease mechanism: loss of function. Inheritance: Various modes of inheritance.

Allele frequency attached by ClinVar (database versions not stated): gnomAD exomes below 0.00001; ExAC 0.00001; gnomAD 0.00001.
gnomAD v4.1: 7 of 1,507,758 alleles (0.00046%); highest among the groups gnomAD compares: Middle Eastern, 0.017%; no homozygotes.

Submissions (2):

Labcorp Genetics (formerly Invitae), Labcorp
Classification: Likely benign for Long QT syndrome. Last evaluated: 2025-10-22. Review status: criteria provided, single submitter. Criteria: Invitae Variant Classification Sherloc (09022015). Collection method: clinical testing. Allele origin: germline.

Women's Health and Genetics/Laboratory Corporation of America, LabCorp
Classification: Likely benign. Last evaluated: 2022-11-29. Review status: criteria provided, single submitter. Criteria: LabCorp Variant Classification Summary - May 2015. Collection method: clinical testing. Allele origin: germline.
Comment: Variant summary: CAV3 c.114+11C>T alters a non-conserved nucleotide located close to a canonical splice site and therefore could affect mRNA splicing, leading to a significantly altered protein sequence. 4/4 computational tools predict no significant impact on normal splicing. However, these predictions have yet to be confirmed by functional studies. The variant allele was found at a frequency of 4e-06 in 249706 control chromosomes (gnomAD). To our knowledge, no occurrence of c.114+11C>T in individuals affected with Rippling Muscle Disease 2 and no experimental evidence demonstrating its impact on protein function have been reported. One clinical diagnostic laboratory has submitted clinical-significance assessments for this variant to ClinVar after 2014 without evidence for independent evaluation, and classified the variant as likely benign. Based on the evidence outlined above, the variant was classified as likely benign.